The following is an entry in ClinVar:

ClinVar aggregate classification (germline): Benign (1 of 4 stars; one submission).

Allele frequency attached by ClinVar (database versions not stated): gnomAD 0.01849 and 0.01968; TOPMed 0.01962; 1000 Genomes Project 0.02276; 1000 Genomes Project 30x 0.02358.
gnomAD v4.1: 2,788 of 152,336 alleles (1.8%); highest among the groups gnomAD compares: African/African-American, 6.4%; 101 homozygotes.

Submission:

GeneDx
Classification: Benign. Last evaluated: 2018-06-14. Review status: criteria provided, single submitter. Criteria: GeneDx Variant Classification (06012015). Collection method: clinical testing. Allele origin: germline. Affected: yes.
Comment: This variant is considered likely benign or benign based on one or more of the following criteria: it is a conservative change, it occurs at a poorly conserved position in the protein, it is predicted to be benign by multiple in silico algorithms, and/or has population frequency not consistent with disease.

NM_001105206.3(LAMA4):c.2354-323A>G

Gene: LAMA4 (laminin subunit alpha 4; minus strand). Cytogenetic location: 6q21.
Variant type: single nucleotide variant.
Coding change: c.2354-323A>G on transcript NM_001105206.3 (MANE Select); 323 bases into the intron before coding-DNA position 2354, A replaced by G.
Molecular consequence: intron variant.
Genome position (GRCh38, 1-based): chr6:112,145,256, T>C on the plus strand (A>G on the coding strand, the complement: LAMA4 is on the minus strand). VCF-style: chr6-112145256-T-C. GRCh37 (hg19) VCF-style: chr6-112466458-T-C.
Other names: c.2333-323A>G (NM_002290.5, NM_001105207.3).
Identifiers: ClinVar variation 671462 (VCV000671462.1), dbSNP rs112286391, ClinGen allele CA144896387.